The following is an entry in ClinVar:

NM_015512.5(DNAH1):c.2724T>C (p.Asn908=)

Gene: DNAH1 (dynein axonemal heavy chain 1; plus strand). Cytogenetic location: 3p21.1.
Variant type: single nucleotide variant.
Coding change: c.2724T>C on transcript NM_015512.5 (MANE Select); coding-DNA position 2724, T replaced by C.
Protein change: p.Asn908=; no amino-acid change (asparagine 908 retained).
Molecular consequence: synonymous variant.
Genome position (GRCh38, 1-based): chr3:52,350,585, T>C. VCF-style: chr3-52350585-T-C. GRCh37 (hg19) VCF-style: chr3-52384601-T-C.
Identifiers: ClinVar variation 544677 (VCV000544677.14), dbSNP rs201003363, ClinGen allele CA2433347.

ClinVar aggregate classification (germline): Benign/Likely benign. Review status: criteria provided, multiple submitters, no conflicts (2 of 4 stars). 4 submissions from 4 submitters: Benign (2); Likely benign (2). Last evaluated 2026-08-21.

Conditions:
DNAH1-related disorder. Also called: DNAH1-related condition.
Spermatogenic failure 18. Identifiers: MedGen C4539783, MONDO:0054615, OMIM 617576.
Ciliary dyskinesia, primary, 37 (CILD37). Also called: CILIARY DYSKINESIA, PRIMARY, 37, WITH OR WITHOUT SITUS INVERSUS. Identifiers: MedGen C4539798, MONDO:0033204, OMIM 617577.

Allele frequency attached by ClinVar (database versions not stated): gnomAD exomes 0.00007 and 0.00019; 1000 Genomes Project 0.00020; ExAC 0.00029; 1000 Genomes Project 30x 0.00031; gnomAD 0.00097 and 0.00108; TOPMed 0.00108; ESP Exome Variant Server 0.00136.
gnomAD v4.1: 261 of 1,613,686 alleles (0.016%); highest among the groups gnomAD compares: African/African-American, 0.31%; 1 homozygote.

Submissions (4):

PreventionGenetics, part of Exact Sciences
Classification: Likely benign for DNAH1-related condition. Last evaluated: 2026-08-21. Review status: criteria provided, single submitter. Criteria: ACMG Guidelines, 2015. Collection method: clinical testing. Allele origin: germline.
Comment: This variant is classified as likely benign based on ACMG/AMP sequence variant interpretation guidelines (Richards et al. 2015 PMID: 25741868, with internal and published modifications).

Labcorp Genetics (formerly Invitae), Labcorp
Classification: Benign for Ciliary dyskinesia, primary, 37; Spermatogenic failure 18. Last evaluated: 2025-11-03. Review status: criteria provided, single submitter. Criteria: Invitae Variant Classification Sherloc (09022015). Collection method: clinical testing. Allele origin: germline.

Blueprint Genetics
Classification: Likely benign. Last evaluated: 2023-03-15. Review status: criteria provided, single submitter. Criteria: ACMG Guidelines, 2015. Collection method: clinical testing. Allele origin: germline.

Breakthrough Genomics
Classification: Benign. Review status: criteria provided, single submitter. Criteria: ACMG Guidelines, 2015. Collection method: not provided. Allele origin: germline. Inheritance: Autosomal recessive inheritance. Affected: yes.